The following is an entry in ClinVar:

ClinVar aggregate classification (germline): Likely benign (1 of 4 stars; one submission).

Allele frequency attached by ClinVar (database versions not stated): TOPMed 0.00003; gnomAD 0.00004; 1000 Genomes Project 30x 0.00016; 1000 Genomes Project 0.00020.

Submission:

GeneDx
Classification: Likely benign. Last evaluated: 2017-08-07. Review status: criteria provided, single submitter. Criteria: GeneDx Variant Classification (06012015). Collection method: clinical testing. Allele origin: germline. Affected: yes.
Comment: This variant is considered likely benign or benign based on one or more of the following criteria: it is a conservative change, it occurs at a poorly conserved position in the protein, it is predicted to be benign by multiple in silico algorithms, and/or has population frequency not consistent with disease.

NM_014874.4(MFN2):c.-10A>G

Gene: MFN2 (mitofusin 2; plus strand). Cytogenetic location: 1p36.22.
Variant type: single nucleotide variant.
Coding change: c.-10A>G on transcript NM_014874.4 (MANE Select); 10 bases upstream of the start codon, A replaced by G.
Molecular consequence: 5 prime UTR variant. On other transcripts: intron variant (1).
Genome position (GRCh38, 1-based): chr1:11,982,109, A>G. VCF-style: chr1-11982109-A-G. GRCh37 (hg19) VCF-style: chr1-12042166-A-G.
Other names: c.-5+1625A>G (NM_001127660.2).
Identifiers: ClinVar variation 511265 (VCV000511265.1), dbSNP rs575581303, ClinGen allele CA18029029.
Genomic context (GRCh38, chr1:11,982,109, plus strand): 5'-TTGTCTTTTGGACTTCAGCCATGTCCATGATGCCTACCCTGTGAAGATCTCTCACCATCC[A>G]AAAAAGTAAGTAGTAGCTGTGACTTCTGGCACCCTGGATTTGAGCTGAGTGGACAGGGGT-3'